The following is an entry in ClinVar:

ClinVar aggregate classification (germline): Uncertain significance (1 of 4 stars; one submission).

Conditions:
Inborn genetic diseases. Identifiers: MedGen C0950123, MeSH D030342.

Submission:

Ambry Genetics
Classification: Uncertain significance for Inborn genetic diseases. Last evaluated: 2022-10-24. Review status: criteria provided, single submitter. Criteria: Ambry Variant Classification Scheme 2023. Collection method: clinical testing. Allele origin: germline.
Comment: The p.G115E variant (also known as c.344G>A), located in coding exon 1 of the ACD gene, results from a G to A substitution at nucleotide position 344. The glycine at codon 115 is replaced by glutamic acid, an amino acid with similar properties. This amino acid position is conserved. In addition, this alteration is predicted to be tolerated by in silico analysis. Since supporting evidence is limited at this time, the clinical significance of this alteration remains unclear.

NM_001082486.2(ACD):c.86G>A (p.Gly29Glu)

Gene: ACD (ACD shelterin complex subunit and telomerase recruitment factor; minus strand). Cytogenetic location: 16q22.1.
Variant type: single nucleotide variant.
Coding change: c.86G>A on transcript NM_001082486.2 (MANE Select); coding-DNA position 86, G replaced by A.
Protein change: p.Gly29Glu; replaces glycine 29 with glutamic acid.
Molecular consequence: missense variant.
Genome position (GRCh38, 1-based): chr16:67,660,135, C>T on the plus strand (G>A on the coding strand, the complement: ACD is on the minus strand). VCF-style: chr16-67660135-C-T. GRCh37 (hg19) VCF-style: chr16-67694038-C-T.
Other names: c.86G>A, p.Gly29Glu (NM_001410884.1, NM_022914.3); short protein forms G29E.
Identifiers: ClinVar variation 1731548 (VCV001731548.2), dbSNP rs2543611337, ClinGen allele CA396358153.